The following is an entry in ClinVar:

NM_001558.4(IL10RA):c.401T>C (p.Ile134Thr)

Gene: IL10RA (interleukin 10 receptor subunit alpha; plus strand). Cytogenetic location: 11q23.3.
Variant type: single nucleotide variant.
Coding change: c.401T>C on transcript NM_001558.4 (MANE Select); coding-DNA position 401, T replaced by C.
Protein change: p.Ile134Thr; replaces isoleucine 134 with threonine.
Molecular consequence: missense variant. On other transcripts: non-coding transcript variant (1).
Genome position (GRCh38, 1-based): chr11:117,993,274, T>C. VCF-style: chr11-117993274-T-C. GRCh37 (hg19) VCF-style: chr11-117863989-T-C.
Other names: short protein forms I134T.
Identifiers: ClinVar variation 2954604 (VCV002954604.3), dbSNP rs1339103550, ClinGen allele CA382774484.

ClinVar aggregate classification (germline): Uncertain significance (1 of 4 stars; one submission).

Conditions:
Inflammatory bowel disease 28. Also called: Inflammatory bowel disease 28, early onset, autosomal recessive. Identifiers: Orphanet 238569, MedGen C2751053, MONDO:0013153, OMIM 613148.

Allele frequency attached by ClinVar (database versions not stated): TOPMed below 0.00001; gnomAD exomes 0.00001.
gnomAD v4.1: 9 of 1,613,990 alleles (0.00056%); highest among the groups gnomAD compares: Non-Finnish European, 0.00076%; no homozygotes.

Submission:

Labcorp Genetics (formerly Invitae), Labcorp
Classification: Uncertain significance for Inflammatory bowel disease 28. Last evaluated: 2023-06-14. Review status: criteria provided, single submitter. Criteria: Invitae Variant Classification Sherloc (09022015). Collection method: clinical testing. Allele origin: germline.
Comment: This sequence change replaces isoleucine, which is neutral and non-polar, with threonine, which is neutral and polar, at codon 134 of the IL10RA protein (p.Ile134Thr). This variant is not present in population databases (gnomAD no frequency). This variant has not been reported in the literature in individuals affected with IL10RA-related conditions. Advanced modeling of protein sequence and biophysical properties (such as structural, functional, and spatial information, amino acid conservation, physicochemical variation, residue mobility, and thermodynamic stability) performed at Invitae indicates that this missense variant is not expected to disrupt IL10RA protein function. In summary, the available evidence is currently insufficient to determine the role of this variant in disease. Therefore, it has been classified as a Variant of Uncertain Significance.